The following is an entry in ClinVar:

NM_002890.3(RASA1):c.2006A>G (p.Asp669Gly)

Genes: CCNH (cyclin H; minus strand), RASA1 (RAS p21 protein activator 1; plus strand). Cytogenetic location: 5q14.3.
Variant type: single nucleotide variant.
Coding change: c.2006A>G on transcript NM_002890.3 (MANE Select); coding-DNA position 2006, A replaced by G.
Protein change: p.Asp669Gly; replaces aspartic acid 669 with glycine.
Molecular consequence: missense variant. On other transcripts: intron variant (1).
Genome position (GRCh38, 1-based): chr5:87,374,911, A>G. VCF-style: chr5-87374911-A-G. GRCh37 (hg19) VCF-style: chr5-86670728-A-G.
Other names: c.1475A>G, p.Asp492Gly (NM_022650.3); c.933+20133T>C (NM_001364075.2); short protein forms D669G, D492G.
Identifiers: ClinVar variation 2453882 (VCV002453882.4), dbSNP rs1385282821, ClinGen allele CA360376654.

ClinVar aggregate classification (germline): Uncertain significance. Review status: criteria provided, multiple submitters, no conflicts (2 of 4 stars). 2 submissions from 2 submitters: Uncertain significance (2). Last evaluated 2024-05-06.

Conditions:
Capillary malformation-arteriovenous malformation syndrome. Also called: Capillary malformation-arteriovenous malformation. Identifiers: Orphanet 137667, MedGen C1842180, MONDO:0012016.
Cardiovascular phenotype. Identifiers: MedGen CN230736.

Allele frequency attached by ClinVar (database versions not stated): gnomAD exomes 0.00001; TOPMed 0.00001; gnomAD 0.00001.
gnomAD v4.1: 11 of 1,606,826 alleles (0.00068%); highest among the groups gnomAD compares: Non-Finnish European, 0.00093%; no homozygotes.

Submissions (2):

Labcorp Genetics (formerly Invitae), Labcorp
Classification: Uncertain significance for Capillary malformation-arteriovenous malformation syndrome. Last evaluated: 2024-05-06. Review status: criteria provided, single submitter. Criteria: Invitae Variant Classification Sherloc (09022015). Collection method: clinical testing. Allele origin: germline.
Comment: This sequence change replaces aspartic acid, which is acidic and polar, with glycine, which is neutral and non-polar, at codon 669 of the RASA1 protein (p.Asp669Gly). This variant is not present in population databases (gnomAD no frequency). This variant has not been reported in the literature in individuals affected with RASA1-related conditions. ClinVar contains an entry for this variant (Variation ID: 2453882). An algorithm developed to predict the effect of missense changes on protein structure and function (PolyPhen-2) suggests that this variant is likely to be tolerated. Algorithms developed to predict the effect of sequence changes on RNA splicing suggest that this variant may disrupt the consensus splice site. In summary, the available evidence is currently insufficient to determine the role of this variant in disease. Therefore, it has been classified as a Variant of Uncertain Significance.

Ambry Genetics
Classification: Uncertain significance for Cardiovascular phenotype. Last evaluated: 2022-11-07. Review status: criteria provided, single submitter. Criteria: Ambry Variant Classification Scheme 2023. Collection method: clinical testing. Allele origin: germline.
Comment: The p.D669G variant (also known as c.2006A>G), located in coding exon 15 of the RASA1 gene, results from an A to G substitution at nucleotide position 2006. The aspartic acid at codon 669 is replaced by glycine, an amino acid with similar properties. This amino acid position is conserved. In addition, this alteration is predicted to be deleterious by in silico analysis. Since supporting evidence is limited at this time, the clinical significance of this alteration remains unclear.